The following is an entry in ClinVar:

NM_006035.4(CDC42BPB):c.149A>G (p.Lys50Arg)

Gene: CDC42BPB (CDC42 binding protein kinase beta; minus strand). Cytogenetic location: 14q32.32.
Variant type: single nucleotide variant.
Coding change: c.149A>G on transcript NM_006035.4 (MANE Select); coding-DNA position 149, A replaced by G.
Protein change: p.Lys50Arg; replaces lysine 50 with arginine.
Molecular consequence: missense variant.
Genome position (GRCh38, 1-based): chr14:103,057,025, T>C on the plus strand (A>G on the coding strand, the complement: CDC42BPB is on the minus strand). VCF-style: chr14-103057025-T-C. GRCh37 (hg19) VCF-style: chr14-103523362-T-C.
Other names: c.149A>G, p.Lys50Arg (NM_001411054.1); short protein forms K50R.
Identifiers: ClinVar variation 1806676 (VCV001806676.2), dbSNP rs2503745748, ClinGen allele CA391086742.
Genomic context (GRCh38, chr14:103,057,025, plus strand): 5'-AGCCGCAGGTCCGGCCCTGCCGGCGCGCACTTACCCCACTCGAGGAACTCGGCCACGTAC[T>C]TGTCGCGGCGCAGGGCCGAGTGGCTGCACTCGGTGTACAGGCAGACGAGCACGTCGAGCA-3'
Protein context (NP_006026.3, residues 40-60): ECSHSALRRD[Lys50Arg]YVAEFLEWAK

ClinVar aggregate classification (germline): Uncertain significance (1 of 4 stars; one submission).

Allele frequency attached by ClinVar (database versions not stated): gnomAD exomes below 0.00001.
gnomAD v4.1: 1 of 1,498,040 alleles (0.000067%); highest among the groups gnomAD compares: Non-Finnish European, 0.000089%; no homozygotes.

Submission:

GeneDx
Classification: Uncertain significance. Last evaluated: 2025-07-19. Review status: criteria provided, single submitter. Criteria: GeneDx Variant Classification Process June 2021. Collection method: clinical testing. Allele origin: germline. Affected: yes.
Comment: Not observed at significant frequency in large population cohorts (gnomAD); In silico analysis supports a deleterious effect on splicing; In silico analysis suggests that this missense variant does not alter protein structure/function; Has not been previously published as pathogenic or benign to our knowledge